The following is an entry in ClinVar:

ClinVar aggregate classification (germline): Likely pathogenic (0 of 4 stars; one submission).

Conditions:
Neuronal ceroid lipofuscinosis 1 (CLN1). Also called: CEROID LIPOFUSCINOSIS, NEURONAL, 1, VARIABLE AGE AT ONSET; PPT1-Related Neuronal Ceroid-Lipofuscinosis. Identifiers: Orphanet 228329, MedGen C1850451, MONDO:0009744, OMIM 256730.

Submission:

Juha Muilu Group; Institute for Molecular Medicine Finland (FIMM)
Classification: Likely pathogenic for Ceroid lipofuscinosis neuronal 1. Review status: no assertion criteria provided. Collection method: not provided. Allele origin: unknown.
Comment: FinDis database variant: This variant was not found or characterized by our laboratory, data were collected from public sources: see reference
ClinVar note: Converted during submission from probable-pathogenic to Likely pathogenic.

NM_000310.4(PPT1):c.117T>A (p.His39Gln)

Gene: PPT1 (palmitoyl-protein thioesterase 1; minus strand). Cytogenetic location: 1p34.2.
Variant type: single nucleotide variant.
Coding change: c.117T>A on transcript NM_000310.4 (MANE Select); coding-DNA position 117, T replaced by A.
Protein change: p.His39Gln; replaces histidine 39 with glutamine.
Molecular consequence: missense variant.
Genome position (GRCh38, 1-based): chr1:40,097,122, A>T on the plus strand (T>A on the coding strand, the complement: PPT1 is on the minus strand). VCF-style: chr1-40097122-A-T. GRCh37 (hg19) VCF-style: chr1-40562794-A-T.
Other names: c.117T>A, p.His39Gln (NM_001142604.2, NM_001363695.2); short protein forms H39Q.
Identifiers: ClinVar variation 56175 (VCV000056175.2), dbSNP rs386833627, ClinGen allele CA263468.